The following is an entry in ClinVar:

ClinVar aggregate classification (germline): Pathogenic (1 of 4 stars; one submission).

Submission:

GeneDx
Classification: Pathogenic. Last evaluated: 2022-12-15. Review status: criteria provided, single submitter. Criteria: GeneDx Variant Classification Process June 2021. Collection method: clinical testing. Allele origin: germline. Affected: yes.
Comment: In silico analysis supports that this missense variant has a deleterious effect on protein structure/function; Not observed at significant frequency in large population cohorts (gnomAD); Has not been previously published as pathogenic or benign to our knowledge

NM_007118.4(TRIO):c.4295A>G (p.Tyr1432Cys)

Gene: TRIO (trio Rho guanine nucleotide exchange factor; plus strand). Cytogenetic location: 5p15.2.
Variant type: single nucleotide variant.
Coding change: c.4295A>G on transcript NM_007118.4 (MANE Select); coding-DNA position 4295, A replaced by G.
Protein change: p.Tyr1432Cys; replaces tyrosine 1432 with cysteine.
Molecular consequence: missense variant. On other transcripts: non-coding transcript variant (1).
Genome position (GRCh38, 1-based): chr5:14,394,114, A>G. VCF-style: chr5-14394114-A-G. GRCh37 (hg19) VCF-style: chr5-14394223-A-G.
Other names: short protein forms Y1432C.
Identifiers: ClinVar variation 1804592 (VCV001804592.1), dbSNP rs2532920202, ClinGen allele CA359233108.